The following is an entry in ClinVar:

NM_004409.5(DMPK):c.*224CTG[96]

Genes: DM1-AS (DM1 locus antisense RNA; plus strand), DMPK (DM1 protein kinase; minus strand), LOC107075317 (origin of replication in DMPK trinucleotide repeat region; plus strand), LOC109461477 (dystrophia myotonica protein kinase repeat instability region; plus strand). Cytogenetic location: 19q13.32.
Variant type: Microsatellite.
Coding change: c.*224CTG[96] on transcript NM_004409.5 (MANE Select); 96 copies in a row of the 3-base unit CTG starting at c.*224.
Molecular consequence: 3 prime UTR variant.
Genome position: GRCh38, VCF-style position (the base before the change): chr19:45,770,204. GRCh37 (hg19), VCF-style position (the base before the change): chr19:46,273,462.
Other names: DM1 CTG repeat expansion; c.*224CTG[96] (NM_001081560.3, NM_001288764.2, NM_001424165.1 and 1 more transcripts); c.*217CTG[96] (NM_001081562.3, NM_001288765.2, NM_001424162.1 and 2 more transcripts); c.*222_*224TGC[96] (NM_001081563.3); c.*369CTG[96] (NM_001288766.2, NM_001424164.1, NM_001424168.1).
Identifiers: ClinVar variation 188042 (VCV000188042.2), ClinGen allele CA915951874.

ClinVar aggregate classification (germline): Pathogenic (0 of 4 stars; one submission).

Conditions:
Steinert myotonic dystrophy syndrome (DM1). Also called: STEINERT DISEASE; Myotonic dystrophy type 1; Dystrophia myotonica type 1; Steinert myotonic dystrophy; Steinert's disease. Identifiers: Orphanet 273, MedGen C3250443, MONDO:0008056, OMIM 160900.

Submission:

Institute of Molecular, Cell and Systems Biology, University of Glasgow
Classification: Pathogenic for Steinert myotonic dystrophy syndrome. Review status: no assertion criteria provided. Criteria: research. Collection method: research. Allele origin: germline. Inheritance: Autosomal dominant inheritance. Affected: yes. Observed: 1 heterozygote.
Comment: DMPK CTG repeat expansions greater than approximately 45-50 repeats are assumed to be pathogenic

This record is based on data published in PubMed 25052313, which reports only ClinVar accessions SCV000120188 and SCV000120189. The complete data set includes SCV000207445 - SCV000207579.

Literature cited by the submitters: PubMed 1346923; PubMed 1546326; PubMed 25052313.